The following is an entry in ClinVar:

NM_015046.7(SETX):c.4978C>T (p.His1660Tyr)

Gene: SETX (senataxin; minus strand). Cytogenetic location: 9q34.13.
Variant type: single nucleotide variant.
Coding change: c.4978C>T on transcript NM_015046.7 (MANE Select); coding-DNA position 4978, C replaced by T.
Protein change: p.His1660Tyr; replaces histidine 1660 with tyrosine.
Molecular consequence: missense variant.
Genome position (GRCh38, 1-based): chr9:132,326,620, G>A on the plus strand (C>T on the coding strand, the complement: SETX is on the minus strand). VCF-style: chr9-132326620-G-A. GRCh37 (hg19) VCF-style: chr9-135202007-G-A.
Other names: c.4978C>T, p.His1660Tyr (NM_001351527.2, NM_001351528.2); short protein forms H1660Y.
Identifiers: ClinVar variation 1744502 (VCV001744502.5), dbSNP rs1159002597, ClinGen allele CA375322825.

ClinVar aggregate classification (germline): Conflicting classifications of pathogenicity. Review status: criteria provided, conflicting classifications (1 of 4 stars). 2 submissions from 2 submitters: Uncertain significance (1); Likely benign (1). Last evaluated 2023-06-06.

Conditions:
Inborn genetic diseases. Identifiers: MedGen C0950123, MeSH D030342.
Amyotrophic lateral sclerosis type 4 (ALS4). Also called: AMYOTROPHIC LATERAL SCLEROSIS 4, JUVENILE; NEURONOPATHY, DISTAL HEREDITARY MOTOR, WITH PYRAMIDAL FEATURES. Identifiers: Orphanet 357043, MedGen C1865409, MONDO:0011223, OMIM 602433.
Spinocerebellar ataxia, autosomal recessive, with axonal neuropathy 2 (SCAN2). Also called: Ataxia with Oculomotor Apraxia; ATAXIA-OCULOMOTOR APRAXIA 2; Ataxia-ocular apraxia-2; Ataxia with Oculomotor Apraxia Type 2. Identifiers: Orphanet 64753, MedGen C1853761, MONDO:0018996, OMIM 606002.

Allele frequency attached by ClinVar (database versions not stated): gnomAD exomes 0.00001.
gnomAD v4.1: 3 of 1,614,172 alleles (0.00019%); highest among the groups gnomAD compares: Non-Finnish European, 0.00025%; no homozygotes.

Submissions (2):

Labcorp Genetics (formerly Invitae), Labcorp
Classification: Likely benign for Amyotrophic lateral sclerosis type 4; Spinocerebellar ataxia, autosomal recessive, with axonal neuropathy 2. Last evaluated: 2023-06-06. Review status: criteria provided, single submitter. Criteria: Invitae Variant Classification Sherloc (09022015). Collection method: clinical testing. Allele origin: germline.

Ambry Genetics
Classification: Uncertain significance for Inborn genetic diseases. Last evaluated: 2022-02-03. Review status: criteria provided, single submitter. Criteria: Ambry Variant Classification Scheme 2023. Collection method: clinical testing. Allele origin: germline.
Comment: The p.H1660Y variant (also known as c.4978C>T), located in coding exon 8 of the SETX gene, results from a C to T substitution at nucleotide position 4978. The histidine at codon 1660 is replaced by tyrosine, an amino acid with similar properties. This amino acid position is conserved. In addition, this alteration is predicted to be tolerated by in silico analysis. Since supporting evidence is limited at this time, the clinical significance of this alteration remains unclear.